The following is an entry in ClinVar:

NM_015335.5(MED13L):c.5444del (p.Thr1815fs)

Gene: MED13L (mediator complex subunit 13L; minus strand). Cytogenetic location: 12q24.21.
Variant type: Deletion.
Coding change: c.5444del on transcript NM_015335.5 (MANE Select); coding-DNA position 5444, one base deleted (C; older notation c.5444delC).
Protein change: p.Thr1815fs; shifts the reading frame from threonine 1815.
Molecular consequence: frameshift variant.
Genome position (GRCh38, 1-based): chr12:115,975,659, G deleted on the plus strand (C on the coding strand, the reverse complement: MED13L is on the minus strand). VCF-style (leftmost placement, unchanged base first): chr12-115975658-CG-C. GRCh37 (hg19) VCF-style: chr12-116413463-CG-C.
Other names: c.5444delC (NM_015335.4); short protein forms T1815fs.
Identifiers: ClinVar variation 252696 (VCV000252696.4), dbSNP rs879255407, ClinGen allele CA10586011.

ClinVar aggregate classification (germline): Pathogenic (1 of 4 stars; one submission).

Conditions:
Cardiac anomalies - developmental delay - facial dysmorphism syndrome (MRFACD). Also called: MED13L Syndrome; Impaired intellectual development and distinctive facial features with or without cardiac defects. Identifiers: Orphanet 369891, MedGen C5192431, MONDO:0014773, OMIM 616789.

Submission:

Genomic Diagnostic Laboratory, Division of Genomic Diagnostics, Children's Hospital of Philadelphia
Classification: Pathogenic. Last evaluated: 2015-08-10. Review status: criteria provided, single submitter. Criteria: DGD Variant Analysis Guidelines. Collection method: clinical testing. Allele origin: unknown.